The following is an entry in ClinVar:

ClinVar aggregate classification (germline): Uncertain significance. Review status: criteria provided, multiple submitters, no conflicts (2 of 4 stars). 2 submissions from 2 submitters: Uncertain significance (2). Last evaluated 2024-03-07.

Conditions:
Inborn genetic diseases. Identifiers: MedGen C0950123, MeSH D030342.
Familial pulmonary capillary hemangiomatosis (PVOD2). Also called: Pulmonary venoocclusive disease 2; Pulmonary venoocclusive disease 2, autosomal recessive. Identifiers: Orphanet 199241, MedGen C0340848, MONDO:0009329, OMIM 234810.

Allele frequency attached by ClinVar (database versions not stated): gnomAD exomes 0.00001 and 0.00004; ExAC 0.00002; TOPMed 0.00015; gnomAD 0.00017 and 0.00019; 1000 Genomes Project 0.00020; 1000 Genomes Project 30x 0.00031.
gnomAD v4.1: 40 of 1,614,052 alleles (0.0025%); highest among the groups gnomAD compares: African/African-American, 0.045%; no homozygotes.

Submissions (2):

Ambry Genetics
Classification: Uncertain significance for Inborn genetic diseases. Last evaluated: 2024-03-07. Review status: criteria provided, single submitter. Criteria: Ambry Variant Classification Scheme 2023. Collection method: clinical testing. Allele origin: germline.

ARUP Laboratories, Molecular Genetics and Genomics, ARUP Laboratories
Classification: Uncertain significance for Familial pulmonary capillary hemangiomatosis. Last evaluated: 2020-04-07. Review status: criteria provided, single submitter. Criteria: ARUP Molecular Germline Variant Investigation Process. Collection method: clinical testing. Allele origin: germline.
Comment: The EIF2AK4 c.1694T>C; p.Ile565Thr variant (rs541667530), to our knowledge, is not reported in the medical literature or gene specific databases. This variant is found in the African population with an allele frequency of 0.050% (12/24202 alleles) in the Genome Aggregation Database. The isoleucine at codon 565 is moderately conserved, and computational analyses (SIFT, PolyPhen-2) predict that this variant is tolerated. Due to limited information, the clinical significance of the p.Ile565Thr variant is uncertain at this time.

NM_001013703.4(EIF2AK4):c.1694T>C (p.Ile565Thr)

Gene: EIF2AK4 (eukaryotic translation initiation factor 2 alpha kinase 4; plus strand). Cytogenetic location: 15q15.1.
Variant type: single nucleotide variant.
Coding change: c.1694T>C on transcript NM_001013703.4 (MANE Select); coding-DNA position 1694, T replaced by C.
Protein change: p.Ile565Thr; replaces isoleucine 565 with threonine.
Molecular consequence: missense variant.
Genome position (GRCh38, 1-based): chr15:39,973,625, T>C. VCF-style: chr15-39973625-T-C. GRCh37 (hg19) VCF-style: chr15-40265826-T-C.
Other names: c.1694T>C (NM_001013703.2); short protein forms I565T.
Identifiers: ClinVar variation 993619 (VCV000993619.9), dbSNP rs541667530, ClinGen allele CA7473844.